The following is an entry in ClinVar:

NM_000787.4(DBH):c.*837T>G

Gene: DBH (dopamine beta-hydroxylase; plus strand). Cytogenetic location: 9q34.2.
Variant type: single nucleotide variant.
Coding change: c.*837T>G on transcript NM_000787.4 (MANE Select); 837 bases downstream of the stop codon, T replaced by G.
Molecular consequence: 3 prime UTR variant.
Genome position (GRCh38, 1-based): chr9:133,659,284, T>G. VCF-style: chr9-133659284-T-G. GRCh37 (hg19) VCF-style: chr9-136524406-T-G.
Identifiers: ClinVar variation 913920 (VCV000913920.5), dbSNP rs148975018, ClinGen allele CA200983119.

ClinVar aggregate classification (germline): Benign. Review status: criteria provided, multiple submitters, no conflicts (2 of 4 stars). 2 submissions from 2 submitters: Benign (2). Last evaluated 2018-01-13.

Conditions:
Orthostatic hypotension 1 (ORTHYP1). Also called: NORADRENALINE DEFICIENCY; NOREPINEPHRINE DEFICIENCY; Orthostatic hypotension 1, due to DBH deficiency; Dopamine beta-hydroxylase deficiency. Identifiers: Orphanet 230, MedGen C4746777, MONDO:0009123, OMIM 223360.

Allele frequency attached by ClinVar (database versions not stated): 1000 Genomes Project 0.00559; gnomAD 0.00564 and 0.00638; 1000 Genomes Project 30x 0.00640; TOPMed 0.00656; gnomAD exomes 0.02273.
gnomAD v4.1: 978 of 152,360 alleles (0.64%); highest among the groups gnomAD compares: Middle Eastern, 3.7%; 12 homozygotes.

Submissions (2):

Illumina Laboratory Services, Illumina
Classification: Benign for Orthostatic hypotension 1. Last evaluated: 2018-01-13. Review status: criteria provided, single submitter. Criteria: ICSL Variant Classification Criteria 13 December 2019. Collection method: clinical testing. Allele origin: germline.
Comment: This variant was observed in the ICSL laboratory as part of a predisposition screen in an ostensibly healthy population. It had not been previously curated by ICSL or reported in the Human Gene Mutation Database (HGMD: prior to June 1st, 2018), and was therefore a candidate for classification through an automated scoring system. Utilizing variant allele frequency, disease prevalence and penetrance estimates, and inheritance mode, an automated score was calculated to assess if this variant is too frequent to cause the disease. Based on the score and internal cut-off values, a variant classified as benign is not then subjected to further curation. The score for this variant resulted in a classification of benign for this disease.

Breakthrough Genomics
Classification: Benign. Review status: criteria provided, single submitter. Criteria: ACMG Guidelines, 2015. Collection method: not provided. Allele origin: germline. Inheritance: Autosomal recessive inheritance. Affected: yes.